The following is an entry in ClinVar:

NM_014727.3(KMT2B):c.4642C>T (p.Pro1548Ser)

Gene: KMT2B (lysine methyltransferase 2B; plus strand). Cytogenetic location: 19q13.12.
Variant type: single nucleotide variant.
Coding change: c.4642C>T on transcript NM_014727.3 (MANE Select); coding-DNA position 4642, C replaced by T.
Protein change: p.Pro1548Ser; replaces proline 1548 with serine.
Molecular consequence: missense variant.
Genome position (GRCh38, 1-based): chr19:35,728,844, C>T. VCF-style: chr19-35728844-C-T. GRCh37 (hg19) VCF-style: chr19-36219745-C-T.
Other names: short protein forms P1548S.
Identifiers: ClinVar variation 4083133 (VCV004083133.1).

ClinVar aggregate classification (germline): Uncertain significance (1 of 4 stars; one submission).

gnomAD v4.1: 2 of 1,613,812 alleles (0.00012%); highest among the groups gnomAD compares: African/African-American, 0.0013%; no homozygotes.

Submission:

GeneDx
Classification: Uncertain significance. Last evaluated: 2025-03-12. Review status: criteria provided, single submitter. Criteria: GeneDx Variant Classification Process June 2021. Collection method: clinical testing. Allele origin: germline. Affected: yes.
Comment: Not observed at significant frequency in large population cohorts (gnomAD); In silico analysis indicates that this missense variant does not alter protein structure/function; Has not been previously published as pathogenic or benign to our knowledge